The following is an entry in ClinVar:

NM_003628.6(PKP4):c.2878G>C (p.Gly960Arg)

Genes: PKP4-AS1 (PKP4 antisense RNA 1; minus strand), PKP4 (plakophilin 4; plus strand). Cytogenetic location: 2q24.1.
Variant type: single nucleotide variant.
Coding change: c.2878G>C on transcript NM_003628.6 (MANE Select); coding-DNA position 2878, G replaced by C.
Protein change: p.Gly960Arg; replaces glycine 960 with arginine.
Molecular consequence: missense variant.
Genome position (GRCh38, 1-based): chr2:158,669,869, G>C. VCF-style: chr2-158669869-G-C. GRCh37 (hg19) VCF-style: chr2-159526381-G-C.
Other names: c.2878G>C, p.Gly960Arg (NM_001005476.4, NM_001377218.1, NM_001377225.1); c.2875G>C, p.Gly959Arg (NM_001304969.3, NM_001377219.1, NM_001377220.1 and 2 more transcripts); c.1849G>C, p.Gly617Arg (NM_001304970.3); c.2872G>C, p.Gly958Arg (NM_001377222.1, NM_001377223.1); c.2869G>C, p.Gly957Arg (NM_001377224.1); short protein forms G958R, G960R, G617R, G957R, G959R.
Identifiers: ClinVar variation 1797126 (VCV001797126.3), dbSNP rs376490425, ClinGen allele CA58644635.

ClinVar aggregate classification (germline): Uncertain significance (1 of 4 stars; one submission).

Allele frequency attached by ClinVar (database versions not stated): gnomAD 0.00001; TOPMed 0.00001; ESP Exome Variant Server 0.00008; gnomAD exomes 0.00001.
gnomAD v4.1: 16 of 1,613,828 alleles (0.00099%); highest among the groups gnomAD compares: East Asian, 0.0022%; no homozygotes.

Submission:

Ambry Genetics
Classification: Uncertain significance. Last evaluated: 2025-09-28. Review status: criteria provided, single submitter. Criteria: Ambry Variant Classification Scheme 2023. Collection method: clinical testing. Allele origin: germline.
Comment: The p.G960R variant (also known as c.2878G>C), located in coding exon 16 of the PKP4 gene, results from a G to C substitution at nucleotide position 2878. The glycine at codon 960 is replaced by arginine, an amino acid with dissimilar properties. This amino acid position is conserved. In addition, the in silico prediction for this alteration is inconclusive. Since supporting evidence is limited at this time, the clinical significance of this alteration remains unclear.